The following is an entry in ClinVar:

ClinVar aggregate classification (germline): Benign/Likely benign. Review status: criteria provided, multiple submitters, no conflicts (2 of 4 stars). 6 submissions from 6 submitters: Benign (1); Likely benign (5). Last evaluated 2025-03-27.

Conditions:
Hereditary cancer-predisposing syndrome. Also called: Hereditary neoplastic syndrome; Neoplastic Syndromes, Hereditary; Tumor predisposition; Hereditary Cancer Syndrome. Identifiers: Orphanet 140162, MedGen C0027672, MeSH D009386, MONDO:0015356.
Peutz-Jeghers syndrome (PJS). Also called: POLYPOSIS, HAMARTOMATOUS INTESTINAL; POLYPS-AND-SPOTS SYNDROME; Peutz-Jeghers polyposis; Periorificial lentiginosis syndrome. Identifiers: Orphanet 2869, MedGen C0031269, MeSH D010580, MONDO:0008280, OMIM 175200.

Allele frequency attached by ClinVar (database versions not stated): gnomAD exomes below 0.00001.
gnomAD v4.1: 1 of 1,612,458 alleles (0.000062%); highest among the groups gnomAD compares: Non-Finnish European, 0.000085%; no homozygotes.

Submissions (6):

Myriad Genetics, Inc.
Classification: Benign for Peutz-Jeghers syndrome. Last evaluated: 2025-03-27. Review status: criteria provided, single submitter. Criteria: Myriad Autosomal Dominant, Autosomal Recessive and X-Linked Classification Criteria (2023). Collection method: clinical testing. Allele origin: unknown.
Comment: This variant is considered benign. This variant is a silent/synonymous amino acid change and it is not expected to impact splicing.

Labcorp Genetics (formerly Invitae), Labcorp
Classification: Likely benign for Peutz-Jeghers syndrome. Last evaluated: 2025-03-15. Review status: criteria provided, single submitter. Criteria: Invitae Variant Classification Sherloc (09022015). Collection method: clinical testing. Allele origin: germline.

All of Us Research Program, National Institutes of Health
Classification: Likely benign for Peutz-Jeghers syndrome. Last evaluated: 2024-02-05. Review status: criteria provided, single submitter. Criteria: ACMG Guidelines, 2015. Collection method: clinical testing. Allele origin: germline. Inheritance: Autosomal dominant inheritance. Observed: 1 variant allele, 1 heterozygote.
Comment: This study involves interpretation of variants in research participants for the purpose of population health screening. Participant phenotype was not available at the time of variant classification. Additional details can be found in publication PMID: 35346344, PMCID: PMC8962531

Color Diagnostics, LLC DBA Color Health
Classification: Likely benign for Hereditary cancer-predisposing syndrome. Last evaluated: 2021-05-17. Review status: criteria provided, single submitter. Criteria: ACMG Guidelines, 2015. Collection method: clinical testing. Allele origin: germline.

Department of Pathology and Laboratory Medicine, Sinai Health System
Classification: Likely benign for Peutz-Jeghers syndrome. Last evaluated: 2020-11-23. Review status: criteria provided, single submitter. Criteria: ACMG Guidelines, 2015. Collection method: clinical testing. Allele origin: germline. Affected: yes.

Ambry Genetics
Classification: Likely benign for Hereditary cancer-predisposing syndrome. Last evaluated: 2016-04-28. Review status: criteria provided, single submitter. Criteria: Ambry Variant Classification Scheme 2023. Collection method: clinical testing. Allele origin: germline.

NM_000455.5(STK11):c.783C>T (p.Tyr261=)

Gene: STK11 (serine/threonine kinase 11; plus strand). Cytogenetic location: 19p13.3.
Variant type: single nucleotide variant.
Coding change: c.783C>T on transcript NM_000455.5 (MANE Select); coding-DNA position 783, C replaced by T.
Protein change: p.Tyr261=; no amino-acid change (tyrosine 261 retained).
Molecular consequence: synonymous variant.
Genome position (GRCh38, 1-based): chr19:1,221,261, C>T. VCF-style: chr19-1221261-C-T. GRCh37 (hg19) VCF-style: chr19-1221260-C-T.
Identifiers: ClinVar variation 480715 (VCV000480715.19), dbSNP rs1555738647, ClinGen allele CA504707129.
Genomic context (GRCh38, chr19:1,221,261, plus strand): 5'-CTCGAAATGAAGCTACAACATCACCACGGGTCTGTACCCCTTCGAAGGGGACAACATCTA[C>T]AAGTTGTTTGAGAACATCGGGAAGGGGAGCTACGCCATCCCGGGCGACTGTGGCCCCCCG-3'
Protein context (NP_000446.1, residues 251-271): GLYPFEGDNI[Tyr261=]KLFENIGKGS